The following is an entry in ClinVar:

NM_024649.5(BBS1):c.279C>T (p.Leu93=)

Gene: BBS1 (Bardet-Biedl syndrome 1; plus strand). Cytogenetic location: 11q13.2.
Variant type: single nucleotide variant.
Coding change: c.279C>T on transcript NM_024649.5 (MANE Select); coding-DNA position 279, C replaced by T.
Protein change: p.Leu93=; no amino-acid change (leucine 93 retained).
Molecular consequence: synonymous variant.
Genome position (GRCh38, 1-based): chr11:66,514,525, C>T. VCF-style: chr11-66514525-C-T. GRCh37 (hg19) VCF-style: chr11-66281996-C-T.
Other names: c.279C>T (NM_024649.4).
Identifiers: ClinVar variation 1956694 (VCV001956694.7), dbSNP rs1173082579, ClinGen allele CA381456405.

ClinVar aggregate classification (germline): Likely benign. Review status: criteria provided, multiple submitters, no conflicts (2 of 4 stars). 3 submissions from 3 submitters: Likely benign (3). Last evaluated 2026-02-17.

Conditions:
Bardet-Biedl syndrome (BBS). Identifiers: Orphanet 110, MedGen C0752166, MONDO:0015229.
BBS1-related disorder. Also called: BBS1-related condition.

Allele frequency attached by ClinVar (database versions not stated): gnomAD exomes below 0.00001.
gnomAD v4.1: 1 of 1,614,186 alleles (0.000062%); highest among the groups gnomAD compares: Non-Finnish European, 0.000085%; no homozygotes.

Submissions (3):

PreventionGenetics, part of Exact Sciences
Classification: Likely benign for BBS1-related condition. Last evaluated: 2026-02-17. Review status: criteria provided, single submitter. Criteria: ACMG Guidelines, 2015. Collection method: clinical testing. Allele origin: germline.
Comment: This variant is classified as likely benign based on ACMG/AMP sequence variant interpretation guidelines (Richards et al. 2015 PMID: 25741868, with internal and published modifications).

Blueprint Genetics
Classification: Likely benign. Last evaluated: 2024-09-30. Review status: criteria provided, single submitter. Criteria: ACMG Guidelines, 2015. Collection method: clinical testing. Allele origin: germline.

Labcorp Genetics (formerly Invitae), Labcorp
Classification: Likely benign for Bardet-Biedl syndrome. Last evaluated: 2022-04-22. Review status: criteria provided, single submitter. Criteria: Invitae Variant Classification Sherloc (09022015). Collection method: clinical testing. Allele origin: germline.